The following is an entry in ClinVar:

NM_001205293.3(CACNA1E):c.364C>T (p.Arg122Ter)

Gene: CACNA1E (calcium voltage-gated channel subunit alpha1 E; plus strand). Cytogenetic location: 1q25.3.
Variant type: single nucleotide variant.
Coding change: c.364C>T on transcript NM_001205293.3 (MANE Select); coding-DNA position 364, C replaced by T.
Protein change: p.Arg122Ter; replaces arginine 122 with a stop codon.
Molecular consequence: nonsense.
Genome position (GRCh38, 1-based): chr1:181,510,574, C>T. VCF-style: chr1-181510574-C-T. GRCh37 (hg19) VCF-style: chr1-181479710-C-T.
Other names: c.364C>T, p.Arg122Ter (NM_000721.4, NM_001205294.2); short protein forms R122*.
Identifiers: ClinVar variation 1307975 (VCV001307975.8), dbSNP rs2102618557, ClinGen allele CA343846025.
Genomic context (GRCh38, chr1:181,510,574, plus strand): 5'-AACTGCATCGTCCTGGCCCTGGAGCAGCATCTTCCTGAGGATGACAAGACCCCCATGTCC[C>T]GAAGACTGGTATGTGATTCCCCTCCTTCTCCCCTTTGCCCCTTTTGTCTTTCTTGGTTTC-3'

ClinVar aggregate classification (germline): Uncertain significance. Review status: criteria provided, multiple submitters, no conflicts (2 of 4 stars). 3 submissions from 3 submitters: Uncertain significance (3). Last evaluated 2023-04-11.

Conditions:
Developmental and epileptic encephalopathy, 69. Also called: EPILEPTIC ENCEPHALOPATHY, EARLY INFANTILE, 69. Identifiers: MedGen C4748988, MONDO:0032657, OMIM 618285.

Allele frequency attached by ClinVar (database versions not stated): gnomAD exomes below 0.00001.
gnomAD v4.1: 1 of 1,604,080 alleles (0.000062%); highest among the groups gnomAD compares: Non-Finnish European, 0.000085%; no homozygotes.

Submissions (3):

Genome-Nilou Lab
Classification: Uncertain significance for Developmental and epileptic encephalopathy, 69. Last evaluated: 2023-04-11. Review status: criteria provided, single submitter. Criteria: ACMG Guidelines, 2015. Collection method: clinical testing. Allele origin: germline. Affected: no.

Labcorp Genetics (formerly Invitae), Labcorp
Classification: Uncertain significance. Last evaluated: 2022-08-08. Review status: criteria provided, single submitter. Criteria: Invitae Variant Classification Sherloc (09022015). Collection method: clinical testing. Allele origin: germline.
Comment: This sequence change creates a premature translational stop signal (p.Arg122*) in the CACNA1E gene. It is expected to result in an absent or disrupted protein product. However, the current clinical and genetic evidence is not sufficient to establish whether loss-of-function variants in CACNA1E cause disease. This variant is not present in population databases (gnomAD no frequency). This variant has not been reported in the literature in individuals affected with CACNA1E-related conditions. ClinVar contains an entry for this variant (Variation ID: 1307975). In summary, the available evidence is currently insufficient to determine the role of this variant in disease. Therefore, it has been classified as a Variant of Uncertain Significance.

GeneDx
Classification: Uncertain significance. Last evaluated: 2019-08-26. Review status: criteria provided, single submitter. Criteria: GeneDx Variant Classification Process June 2021. Collection method: clinical testing. Allele origin: germline. Affected: yes.
Comment: Not observed in large population cohorts (Lek et al., 2016); Nonsense variant predicted to result in protein truncation or nonsense mediated decay in a gene for which loss-of-function is not a known mechanism of disease; Has not been previously published as pathogenic or benign to our knowledge